The following is an entry in ClinVar:

NM_000141.5(FGFR2):c.749-183G>A

Gene: FGFR2 (fibroblast growth factor receptor 2; minus strand). Cytogenetic location: 10q26.13.
Variant type: single nucleotide variant.
Coding change: c.749-183G>A on transcript NM_000141.5 (MANE Select); 183 bases into the intron before coding-DNA position 749, G replaced by A.
Molecular consequence: intron variant.
Genome position (GRCh38, 1-based): chr10:121,520,352, C>T on the plus strand (G>A on the coding strand, the complement: FGFR2 is on the minus strand). VCF-style: chr10-121520352-C-T. GRCh37 (hg19) VCF-style: chr10-123279866-C-T.
Other names: c.749-5033G>A (NM_001144914.1); c.404-183G>A (NM_001144918.2, NM_001441091.1, NM_001441090.1 and 1 more transcripts); c.482-183G>A (NM_001441089.1, NM_023029.3, NM_001441088.1 and 2 more transcripts); c.749-183G>A (NM_001144917.2, NM_001320658.2, NM_001441087.1 and 2 more transcripts); c.65-183G>A (NM_001320654.2).
Identifiers: ClinVar variation 667899 (VCV000667899.2), dbSNP rs2981447, ClinGen allele CA13297963.

ClinVar aggregate classification (germline): Benign. Review status: criteria provided, multiple submitters, no conflicts (2 of 4 stars). 2 submissions from 2 submitters: Benign (2). Last evaluated 2018-06-14.

Allele frequency attached by ClinVar (database versions not stated): 1000 Genomes Project 30x 0.88023; TOPMed 0.88552; 1000 Genomes Project 0.88658; gnomAD 0.89019 and 0.89765.
gnomAD v4.1: 136,808 of 152,238 alleles (90%); highest among the groups gnomAD compares: East Asian, 100%; 63,278 homozygotes.

Submissions (2):

GeneDx
Classification: Benign. Last evaluated: 2018-06-14. Review status: criteria provided, single submitter. Criteria: GeneDx Variant Classification (06012015). Collection method: clinical testing. Allele origin: germline. Affected: yes.
Comment: This variant is considered likely benign or benign based on one or more of the following criteria: it is a conservative change, it occurs at a poorly conserved position in the protein, it is predicted to be benign by multiple in silico algorithms, and/or has population frequency not consistent with disease.

Breakthrough Genomics
Classification: Benign. Review status: criteria provided, single submitter. Criteria: ACMG Guidelines, 2015. Collection method: not provided. Allele origin: germline. Inheritance: Autosomal dominant inheritance. Affected: yes.